The following is an entry in ClinVar:

NM_012388.4(BLOC1S6):c.131T>C (p.Ile44Thr)

Gene: BLOC1S6 (biogenesis of lysosomal organelles complex 1 subunit 6; plus strand). Cytogenetic location: 15q21.1.
Variant type: single nucleotide variant.
Coding change: c.131T>C on transcript NM_012388.4 (MANE Select); coding-DNA position 131, T replaced by C.
Protein change: p.Ile44Thr; replaces isoleucine 44 with threonine.
Molecular consequence: missense variant. On other transcripts: non-coding transcript variant (5).
Genome position (GRCh38, 1-based): chr15:45,592,183, T>C. VCF-style: chr15-45592183-T-C. GRCh37 (hg19) VCF-style: chr15-45884381-T-C.
Other names: c.131T>C (NM_012388.2); c.146T>C, p.Ile49Thr (NM_001311255.1, NM_001311256.1); short protein forms I44T, I49T.
Identifiers: ClinVar variation 656143 (VCV000656143.8), dbSNP rs374731803, ClinGen allele CA7544264.

ClinVar aggregate classification (germline): Uncertain significance. Review status: criteria provided, multiple submitters, no conflicts (2 of 4 stars). 3 submissions from 3 submitters: Uncertain significance (3). Last evaluated 2025-02-07.

Conditions:
Hermansky-Pudlak syndrome 9 (HPS9). Identifiers: Orphanet 280663, Orphanet 79430, MedGen C3280026, MONDO:0013606, OMIM 614171.
Inborn genetic diseases. Identifiers: MedGen C0950123, MeSH D030342.

Allele frequency attached by ClinVar (database versions not stated): gnomAD exomes 0.00001 and 0.00006; TOPMed 0.00003; gnomAD 0.00004 and 0.00007; ESP Exome Variant Server 0.00008; ExAC 0.00007.
gnomAD v4.1: 38 of 1,614,174 alleles (0.0024%); highest among the groups gnomAD compares: East Asian, 0.04%; no homozygotes.

Submissions (3):

Ambry Genetics
Classification: Uncertain significance for Inborn genetic diseases. Last evaluated: 2025-02-07. Review status: criteria provided, single submitter. Criteria: Ambry Variant Classification Scheme 2023. Collection method: clinical testing. Allele origin: germline.

Labcorp Genetics (formerly Invitae), Labcorp
Classification: Uncertain significance for Hermansky-Pudlak syndrome 9. Last evaluated: 2022-07-19. Review status: criteria provided, single submitter. Criteria: Invitae Variant Classification Sherloc (09022015). Collection method: clinical testing. Allele origin: germline.
Comment: This sequence change replaces isoleucine, which is neutral and non-polar, with threonine, which is neutral and polar, at codon 44 of the BLOC1S6 protein (p.Ile44Thr). This variant is present in population databases (rs374731803, gnomAD 0.07%). This variant has not been reported in the literature in individuals affected with BLOC1S6-related conditions. ClinVar contains an entry for this variant (Variation ID: 656143). Algorithms developed to predict the effect of missense changes on protein structure and function (SIFT, PolyPhen-2, Align-GVGD) all suggest that this variant is likely to be tolerated. Algorithms developed to predict the effect of sequence changes on RNA splicing suggest that this variant may create or strengthen a splice site. In summary, the available evidence is currently insufficient to determine the role of this variant in disease. Therefore, it has been classified as a Variant of Uncertain Significance.

Fulgent Genetics
Classification: Uncertain significance for Hermansky-Pudlak syndrome 9. Last evaluated: 2022-03-03. Review status: criteria provided, single submitter. Criteria: ACMG Guidelines, 2015. Collection method: clinical testing. Allele origin: unknown.